The following is an entry in ClinVar:

NM_001048174.2(MUTYH):c.815G>T (p.Cys272Phe)

Gene: MUTYH (mutY DNA glycosylase; minus strand). Cytogenetic location: 1p34.1.
Variant type: single nucleotide variant.
Coding change: c.815G>T on transcript NM_001048174.2 (MANE Select); coding-DNA position 815, G replaced by T.
Protein change: p.Cys272Phe; replaces cysteine 272 with phenylalanine.
Molecular consequence: missense variant. On other transcripts: non-coding transcript variant (2).
Genome position (GRCh38, 1-based): chr1:45,332,200, C>A on the plus strand (G>T on the coding strand, the complement: MUTYH is on the minus strand). VCF-style: chr1-45332200-C-A. GRCh37 (hg19) VCF-style: chr1-45797872-C-A.
Other names: c.899G>T (NM_001128425.1); c.815G>T, p.Cys272Phe (NM_001048171.2, NM_001048173.2, NM_001293195.2); c.818G>T, p.Cys273Phe (NM_001048172.2); c.899G>T, p.Cys300Phe (NM_001128425.2); c.860G>T, p.Cys287Phe (NM_001293190.2); c.848G>T, p.Cys283Phe (NM_001293191.2); c.539G>T, p.Cys180Phe (NM_001293192.2, NM_001293196.2); c.470G>T, p.Cys157Phe (NM_001350650.2, NM_001350651.2); and 1 more; short protein forms C157F, C180F, C272F, C273F, C283F, C287F, C297F, C300F.
Identifiers: ClinVar variation 1025964 (VCV001025964.4), dbSNP rs1645025596, ClinGen allele CA340134398.

ClinVar aggregate classification (germline): Conflicting classifications of pathogenicity. Review status: criteria provided, conflicting classifications (1 of 4 stars). 2 submissions from 2 submitters: Likely pathogenic (1); Uncertain significance (1). Last evaluated 2025-08-15.

Conditions:
Familial adenomatous polyposis 2. Also called: COLORECTAL ADENOMATOUS POLYPOSIS, AUTOSOMAL RECESSIVE; ADENOMAS, MULTIPLE COLORECTAL, AUTOSOMAL RECESSIVE; Adenomas, multiple colorectal; FAP type 2; MUTYH Polyposis; MUTYH-associated polyposis. Identifiers: Orphanet 220460, Orphanet 247798, MedGen C3272841, MONDO:0012041, OMIM 608456.
Hereditary cancer-predisposing syndrome. Also called: Neoplastic Syndromes, Hereditary; Hereditary Cancer Syndrome; Hereditary neoplastic syndrome; Tumor predisposition. Identifiers: Orphanet 140162, MedGen C0027672, MeSH D009386, MONDO:0015356.

Submissions (2):

Ambry Genetics
Classification: Likely pathogenic for Hereditary cancer-predisposing syndrome. Last evaluated: 2025-08-15. Review status: criteria provided, single submitter. Criteria: Ambry Variant Classification Scheme 2023. Collection method: clinical testing. Allele origin: germline.
Comment: The p.C300F variant (also known as c.899G>T), located in coding exon 10 of the MUTYH gene, results from a G to T substitution at nucleotide position 899. The cysteine at codon 300 is replaced by phenylalanine, an amino acid with highly dissimilar properties. This alteration was identified in an individual with polyposis and in cis with c.932G>A; both alterations were classified as uncertain significance by study authors. The individual was also identified to carry c.1187G>A however the phase of c.1187G>A to c.899G>T and c.932G>A was not determined (Dell'Elice A et al. Mol Genet Genomic Med, 2021 Dec;9:e1831). In a massively parallel cell-based functional assay testing 7,8-dihydro-8- oxoguanine:adenine (8OG:A) repair activity, a byproduct of oxidative damage, this variant was reported to be non-functional (Hemker SL et al. Am J Hum Genet. Published online July 29, 2025. DOI: 10.1016/j.ajhg.2025.07.005). This amino acid position is highly conserved in available vertebrate species. In addition, this alteration is predicted to be deleterious by in silico analysis. This variant is considered to be rare based on population cohorts in the Genome Aggregation Database (gnomAD). Based on the majority of available evidence to date, this variant is likely to be pathogenic.

Labcorp Genetics (formerly Invitae), Labcorp
Classification: Uncertain significance for Familial adenomatous polyposis 2. Last evaluated: 2021-08-31. Review status: criteria provided, single submitter. Criteria: Invitae Variant Classification Sherloc (09022015). Collection method: clinical testing. Allele origin: germline.
Comment: This sequence change replaces cysteine with phenylalanine at codon 300 of the MUTYH protein (p.Cys300Phe). The cysteine residue is highly conserved and there is a large physicochemical difference between cysteine and phenylalanine. This variant is not present in population databases (ExAC no frequency). This variant has not been reported in the literature in individuals affected with MUTYH-related conditions. Algorithms developed to predict the effect of missense changes on protein structure and function (SIFT, PolyPhen-2, Align-GVGD) all suggest that this variant is likely to be disruptive. In summary, the available evidence is currently insufficient to determine the role of this variant in disease. Therefore, it has been classified as a Variant of Uncertain Significance.

Literature cited by the submitters: PubMed 34704405 (cited by Ambry Genetics); PubMed 40738107 (cited by Ambry Genetics).